The following is an entry in ClinVar:

ClinVar aggregate classification (germline): Uncertain significance. Review status: criteria provided, multiple submitters, no conflicts (2 of 4 stars). 2 submissions from 2 submitters: Uncertain significance (2). Last evaluated 2025-12-11.

Conditions:
Autosomal dominant limb-girdle muscular dystrophy type 1F (LGMDD2). Also called: Limb-girdle muscular dystrophy, type 1F; MUSCULAR DYSTROPHY, LIMB-GIRDLE, AUTOSOMAL DOMINANT 2. Identifiers: Orphanet 55595, MedGen C1842062, MONDO:0012034, OMIM 608423.

Allele frequency attached by ClinVar (database versions not stated): gnomAD exomes below 0.00001 and 0.00001; gnomAD 0.00001; TOPMed 0.00001.
gnomAD v4.1: 5 of 1,613,776 alleles (0.00031%); highest among the groups gnomAD compares: African/African-American, 0.0013%; no homozygotes.

Submissions (2):

Labcorp Genetics (formerly Invitae), Labcorp
Classification: Uncertain significance for Autosomal dominant limb-girdle muscular dystrophy type 1F. Last evaluated: 2025-12-11. Review status: criteria provided, single submitter. Criteria: Invitae Variant Classification Sherloc (09022015). Collection method: clinical testing. Allele origin: germline.
Comment: This sequence change replaces aspartic acid, which is acidic and polar, with asparagine, which is neutral and polar, at codon 549 of the TNPO3 protein (p.Asp549Asn). This variant is present in population databases (no rsID available, gnomAD 0.002%). This variant has not been reported in the literature in individuals affected with TNPO3-related conditions. ClinVar contains an entry for this variant (Variation ID: 432704). Invitae Evidence Modeling of protein sequence and biophysical properties (such as structural, functional, and spatial information, amino acid conservation, physicochemical variation, residue mobility, and thermodynamic stability) indicates that this missense variant is not expected to disrupt TNPO3 protein function with a negative predictive value of 80%. In summary, the available evidence is currently insufficient to determine the role of this variant in disease. Therefore, it has been classified as a Variant of Uncertain Significance.

GeneDx
Classification: Uncertain significance. Last evaluated: 2017-06-16. Review status: criteria provided, single submitter. Criteria: GeneDx Variant Classification (06012015). Collection method: clinical testing. Allele origin: germline. Affected: yes.
Comment: A variant of uncertain significance has been identified in the TNPO3 gene. The D549N variant has not been published as a pathogenic variant, nor has it been reported as a benign variant to our knowledge. The D549N variant is not observed in large population cohorts (Lek et al., 2016; 1000 Genomes Consortium et al., 2015; Exome Variant Server). The D549N variant is a semi-conservative amino acid substitution, which may impact secondary protein structure as these residues differ in some properties. This substitution occurs at a position that is conserved across species, and in silico analysis predicts this variant is probably damaging to the protein structure/function. However, missense variants in nearby residues have not been reported in the Human Gene Mutation Database in association with TNPO3-related disorders (Stenson et al., 2014). Therefore, based on the currently available information, it is unclear whether this variant is a pathogenic variant or a rare benign variant.

NM_012470.4(TNPO3):c.1645G>A (p.Asp549Asn)

Gene: TNPO3 (transportin 3; minus strand). Cytogenetic location: 7q32.1.
Variant type: single nucleotide variant.
Coding change: c.1645G>A on transcript NM_012470.4 (MANE Select); coding-DNA position 1645, G replaced by A.
Protein change: p.Asp549Asn; replaces aspartic acid 549 with asparagine.
Molecular consequence: missense variant. On other transcripts: non-coding transcript variant (18), intron variant (2).
Genome position (GRCh38, 1-based): chr7:128,986,774, C>T on the plus strand (G>A on the coding strand, the complement: TNPO3 is on the minus strand). VCF-style: chr7-128986774-C-T. GRCh37 (hg19) VCF-style: chr7-128626828-C-T.
Other names: c.1747G>A, p.Asp583Asn (NM_001382216.1); c.1726G>A, p.Asp576Asn (NM_001382217.1); c.1645G>A, p.Asp549Asn (NM_001382218.1, NM_001382220.1); c.1537G>A, p.Asp513Asn (NM_001382219.1); c.1501G>A, p.Asp501Asn (NM_001382221.1); c.1498G>A, p.Asp500Asn (NM_001382222.1); c.1499-2515G>A (NM_001382223.1, NM_001191028.3); short protein forms D549N, D583N, D500N, D501N, D513N, D576N.
Identifiers: ClinVar variation 432704 (VCV000432704.3), dbSNP rs1004889227, ClinGen allele CA166214859.